The following is an entry in ClinVar:

NM_001430.5(EPAS1):c.2081T>C (p.Val694Ala)

Gene: EPAS1 (endothelial PAS domain protein 1; plus strand). Cytogenetic location: 2p21.
Variant type: single nucleotide variant.
Coding change: c.2081T>C on transcript NM_001430.5 (MANE Select); coding-DNA position 2081, T replaced by C.
Protein change: p.Val694Ala; replaces valine 694 with alanine.
Molecular consequence: missense variant.
Genome position (GRCh38, 1-based): chr2:46,381,631, T>C. VCF-style: chr2-46381631-T-C. GRCh37 (hg19) VCF-style: chr2-46608770-T-C.
Other names: short protein forms V694A.
Identifiers: ClinVar variation 3221601 (VCV003221601.1), dbSNP rs2103675856, ClinGen allele CA346705490.

ClinVar aggregate classification (germline): Uncertain significance (1 of 4 stars; one submission).

Conditions:
Inborn genetic diseases. Identifiers: MedGen C0950123, MeSH D030342.

Submission:

Ambry Genetics
Classification: Uncertain significance for Inborn genetic diseases. Last evaluated: 2023-09-23. Review status: criteria provided, single submitter. Criteria: Ambry Variant Classification Scheme 2023. Collection method: clinical testing. Allele origin: germline.
Comment: The p.V694A variant (also known as c.2081T>C), located in coding exon 13 of the EPAS1 gene, results from a T to C substitution at nucleotide position 2081. The valine at codon 694 is replaced by alanine, an amino acid with similar properties. This amino acid position is conserved. In addition, this alteration is predicted to be tolerated by in silico analysis. Since supporting evidence is limited at this time, the clinical significance of this alteration remains unclear.